The following is an entry in ClinVar:

ClinVar aggregate classification (germline): Likely pathogenic (1 of 4 stars; one submission).

Conditions:
Mucopolysaccharidosis, MPS-III-C (MPS3C). Also called: MPS IIIC (Sanfilippo Syndrome Type C); SANFILIPPO SYNDROME C; MPS III C; Mucopolysaccharidosis type IIIC (Sanfilippo C); MUCOPOLYSACCHARIDOSIS, TYPE IIIC; mucopolysaccharidosis type 3C. Identifiers: Orphanet 581, Orphanet 79271, MedGen C0086649, MONDO:0009657, OMIM 252930.

Submission:

Natera, Inc.
Classification: Likely pathogenic for Mucopolysaccharidosis type IIIC. Last evaluated: 2025-11-03. Review status: criteria provided, single submitter. Criteria: Natera Variant Classification Schema (03/2026). Collection method: clinical testing. Allele origin: germline.
Comment: The c.334C>T variant in HGSNAT is a nonsense variant predicted to introduce a stop codon at amino acid 112. This variant is expected to result in nonsense mediated decay, truncation, or a dysfunctional protein product. This variant is rare in the general population with a frequency below the threshold expected for the associated phenotype(s). Given the available evidence, this variant is classified as Likely Pathogenic.

NM_152419.3(HGSNAT):c.334C>T (p.Gln112Ter)

Gene: HGSNAT (heparan-alpha-glucosaminide N-acetyltransferase; plus strand). Cytogenetic location: 8p11.21.
Variant type: single nucleotide variant.
Coding change: c.334C>T on transcript NM_152419.3 (MANE Select); coding-DNA position 334, C replaced by T.
Protein change: p.Gln112Ter; replaces glutamine 112 with a stop codon.
Molecular consequence: nonsense. On other transcripts: 5 prime UTR variant (1).
Genome position (GRCh38, 1-based): chr8:43,158,674, C>T. VCF-style: chr8-43158674-C-T. GRCh37 (hg19) VCF-style: chr8-43013817-C-T.
Other names: c.334C>T, p.Gln112Ter (NM_001363227.2, NM_001363228.2); c.-500C>T (NM_001363229.2); short protein forms Q112*.
Identifiers: ClinVar variation 4816871 (VCV004816871.1).
Genomic context (GRCh38, chr8:43,158,674, plus strand): 5'-AAAGCAGGGAAGCCTAGTGCTGCAGCTGCCTCTGTCAGCACCCAGCACGGATCTATCCTG[C>T]AGCTGAACGACACCTTGGAAGAGAAAGAAGTTTGTAGGTTTGTGCCTGCTTTGTTGTGAT-3'